The following is an entry in ClinVar:

ClinVar aggregate classification (germline): Uncertain significance. Review status: criteria provided, multiple submitters, no conflicts (2 of 4 stars). 3 submissions from 3 submitters: Uncertain significance (3). Last evaluated 2026-01-27.

Conditions:
Inborn genetic diseases. Identifiers: MedGen C0950123, MeSH D030342.
Deafness-lymphedema-leukemia syndrome. Also called: Lymphedema, primary, with myelodysplasia; Emberger syndrome. Identifiers: Orphanet 3226, MedGen C3279664, MONDO:0013540, OMIM 614038.
Monocytopenia with susceptibility to infections. Also called: GATA2 DEFICIENCY; MONOCYTOPENIA AND MYCOBACTERIAL INFECTION SYNDROME; MONOCYTOPENIA WITH SUSCEPTIBILITY TO MYCOBACTERIAL, FUNGAL, AND PAPILLOMAVIRUS INFECTIONS AND MYELODYSPLASIA; COMBINED IMMUNODEFICIENCY WITH SUSCEPTIBILITY TO MYCOBACTERIAL, VIRAL, AND FUNGAL INFECTIONS; Dendritic cell, monocyte, B lymphocyte, and natural killer lymphocyte deficiency; IMMUNODEFICIENCY 21. Identifiers: Orphanet 228423, MedGen C3280030, MONDO:0013607, OMIM 614172.

Submissions (3):

Ambry Genetics
Classification: Uncertain significance for Inborn genetic diseases. Last evaluated: 2026-01-27. Review status: criteria provided, single submitter. Criteria: Ambry Variant Classification Scheme 2023. Collection method: clinical testing. Allele origin: germline.
Comment: The c.1168_1170delAAG variant (also known as p.K390del) is located in coding exon 5 of the GATA2 gene. This variant results from an in-frame AAG deletion at nucleotide positions 1168 to 1170. This results in the in-frame deletion of a lysine at codon 390. This amino acid position is highly conserved in available vertebrate species. Based on the available evidence, the clinical significance of this variant remains unclear.

Mayo Clinic Laboratories, Mayo Clinic
Classification: Uncertain significance. Last evaluated: 2022-10-27. Review status: criteria provided, single submitter. Criteria: ACMG Guidelines, 2015. Collection method: clinical testing. Allele origin: germline. Observed: 61 variant alleles.
Comment: PM2_supporting, PS4_supporting

Labcorp Genetics (formerly Invitae), Labcorp
Classification: Uncertain significance for Monocytopenia with susceptibility to infections; Deafness-lymphedema-leukemia syndrome. Last evaluated: 2022-06-08. Review status: criteria provided, single submitter. Criteria: Invitae Variant Classification Sherloc (09022015). Collection method: clinical testing. Allele origin: germline.
Comment: In summary, the available evidence is currently insufficient to determine the role of this variant in disease. Therefore, it has been classified as a Variant of Uncertain Significance. Experimental studies and prediction algorithms are not available or were not evaluated, and the functional significance of this variant is currently unknown. This variant has been observed in individual(s) with myelodysplastic syndrome (PMID: 24345756). This variant is not present in population databases (gnomAD no frequency). This variant, c.1168_1170del, results in the deletion of 1 amino acid(s) of the GATA2 protein (p.Lys390del), but otherwise preserves the integrity of the reading frame.

Literature cited by the submitters: PubMed 24345756 (cited by Mayo Clinic Laboratories, Mayo Clinic and Labcorp Genetics (formerly Invitae), Labcorp).

NM_032638.5(GATA2):c.1165AAG[1] (p.Lys390del)

Gene: GATA2 (GATA binding protein 2; minus strand). Cytogenetic location: 3q21.3.
Variant type: Microsatellite.
Coding change: c.1165AAG[1] on transcript NM_032638.5 (MANE Select); one copy of the 3-base unit AAG starting at c.1165; the reference has two copies in a row; one copy, 3 bases deleted.
Protein change: p.Lys390del; deletes lysine 390.
Molecular consequence: inframe deletion.
Genome position (GRCh38, 1-based): chr3:128,481,292-128,481,294, CTT deleted on the plus strand (AAG on the coding strand, the reverse complement: GATA2 is on the minus strand); deleting any 3 consecutive bases within chr3:128,481,292-128,481,298 gives the same sequence; the position shown is the placement nearest the transcript's 3' end. VCF-style (leftmost placement, unchanged base first): chr3-128481291-CCTT-C. GRCh37 (hg19) VCF-style: chr3-128200134-CCTT-C.
Other names: p.Lys390del; c.1168_1170delAAG (NM_032638.4); c.1165AAG[1], p.Lys390del (NM_001145661.2); c.1123AAG[1], p.Lys376del (NM_001145662.1); c.1168_1170del (NM_001145661.1); short protein forms K376del, K390del.
Identifiers: ClinVar variation 1023755 (VCV001023755.8), dbSNP rs1576744556, ClinGen allele CA645529123.
Genomic context (GRCh38, chr3:128,481,291, plus strand): 5'-CCCCTTTCTTGCTCTTCTTGGACTTGTTGGACATCTTCCGGTTCCGAGTCTGGATCCCTT[CCTT>C]CTTCATGGTCAGTGGCCTGTTAACCTAGAGGCAACCACCAGTTTTCAGAGGGCCAGTTCC-3'